The following is an entry in ClinVar:

NM_004990.4(MARS1):c.2038C>T (p.Arg680Cys)

Gene: MARS1 (methionyl-tRNA synthetase 1; plus strand). Cytogenetic location: 12q13.3.
Variant type: single nucleotide variant.
Coding change: c.2038C>T on transcript NM_004990.4 (MANE Select); coding-DNA position 2038, C replaced by T.
Protein change: p.Arg680Cys; replaces arginine 680 with cysteine.
Molecular consequence: missense variant.
Genome position (GRCh38, 1-based): chr12:57,514,790, C>T. VCF-style: chr12-57514790-C-T. GRCh37 (hg19) VCF-style: chr12-57908573-C-T.
Other names: short protein forms R680C.
Identifiers: ClinVar variation 3753860 (VCV003753860.2).

ClinVar aggregate classification (germline): Uncertain significance (1 of 4 stars; one submission).

Conditions:
Severe early-onset pulmonary alveolar proteinosis due to MARS deficiency. Also called: PULMONARY ALVEOLAR PROTEINOSIS, REUNION ISLAND; Interstitial lung and liver disease. Identifiers: Orphanet 440427, MedGen C4225400, MONDO:0014206, OMIM 615486.
Charcot-Marie-Tooth disease axonal type 2U. Also called: CHARCOT-MARIE-TOOTH NEUROPATHY, TYPE 2U; CHARCOT-MARIE-TOOTH DISEASE, AXONAL, AUTOSOMAL DOMINANT, TYPE 2U. Identifiers: Orphanet 397735, MedGen C4084821, MONDO:0014566, OMIM 616280.

gnomAD v4.1: 9 of 1,614,074 alleles (0.00056%); highest among the groups gnomAD compares: African/African-American, 0.0013%; no homozygotes.

Submission:

Labcorp Genetics (formerly Invitae), Labcorp
Classification: Uncertain significance for Charcot-Marie-Tooth disease axonal type 2U; Severe early-onset pulmonary alveolar proteinosis due to MARS deficiency. Last evaluated: 2024-06-19. Review status: criteria provided, single submitter. Criteria: Invitae Variant Classification Sherloc (09022015). Collection method: clinical testing. Allele origin: germline.
Comment: This sequence change replaces arginine, which is basic and polar, with cysteine, which is neutral and slightly polar, at codon 680 of the MARS protein (p.Arg680Cys). This variant is not present in population databases (gnomAD no frequency). This variant has not been reported in the literature in individuals affected with MARS-related conditions. An algorithm developed to predict the effect of missense changes on protein structure and function (PolyPhen-2) suggests that this variant is likely to be tolerated. In summary, the available evidence is currently insufficient to determine the role of this variant in disease. Therefore, it has been classified as a Variant of Uncertain Significance.